The following is an entry in ClinVar:

ClinVar aggregate classification (germline): Uncertain significance (1 of 4 stars; one submission).

Conditions:
Long QT syndrome (LQTS). Identifiers: MedGen C0023976, MeSH D008133, MONDO:0002442. Disease mechanism: loss of function. Inheritance: Various modes of inheritance.

Allele frequency attached by ClinVar (database versions not stated): gnomAD 0.00001; TOPMed 0.00001.
gnomAD v4.1: 18 of 1,614,058 alleles (0.0011%); highest among the groups gnomAD compares: South Asian, 0.0066%; no homozygotes.

Submission:

Labcorp Genetics (formerly Invitae), Labcorp
Classification: Uncertain significance for Long QT syndrome. Last evaluated: 2020-10-21. Review status: criteria provided, single submitter. Criteria: Invitae Variant Classification Sherloc (09022015). Collection method: clinical testing. Allele origin: germline.
Comment: This sequence change replaces valine with methionine at codon 1079 of the ANK2 protein (p.Val1079Met). The valine residue is highly conserved and there is a small physicochemical difference between valine and methionine. This variant is not present in population databases (ExAC no frequency) and has not been reported in the literature in individuals with a ANK2-related disease. Algorithms developed to predict the effect of missense changes on protein structure and function do not agree on the potential impact of this missense change (SIFT: "Tolerated"; PolyPhen-2: "Probably Damaging"; Align-GVGD: "Class C0"). In summary, this variant is a novel missense change with uncertain impact on protein function. It has been classified as a Variant of Uncertain Significance.

NM_001148.6(ANK2):c.3235G>A (p.Val1079Met)

Gene: ANK2 (ankyrin 2; plus strand). Cytogenetic location: 4q26.
Variant type: single nucleotide variant.
Coding change: c.3235G>A on transcript NM_001148.6 (MANE Select); coding-DNA position 3235, G replaced by A.
Protein change: p.Val1079Met; replaces valine 1079 with methionine.
Molecular consequence: missense variant.
Genome position (GRCh38, 1-based): chr4:113,333,064, G>A. VCF-style: chr4-113333064-G-A. GRCh37 (hg19) VCF-style: chr4-114254220-G-A.
Other names: c.3208G>A, p.Val1070Met (NM_001127493.3); c.3247G>A, p.Val1083Met (NM_001354225.2); c.3136G>A, p.Val1046Met (NM_001354228.2, NM_001354258.2); c.3214G>A, p.Val1072Met (NM_001354230.2); c.3277G>A, p.Val1093Met (NM_001354231.2, NM_001354242.2); c.3271G>A, p.Val1091Met (NM_001354232.2); c.3232G>A, p.Val1078Met (NM_001354235.2, NM_001354246.2, NM_001354265.2); c.3133G>A, p.Val1045Met (NM_001354236.2); and 28 more; short protein forms V1079M, V1070M, V1004M, V1008M, V1013M, V1017M, V1032M, V1094M.
Identifiers: ClinVar variation 406483 (VCV000406483.6), dbSNP rs774214850, ClinGen allele CA16611578.
Genomic context (GRCh38, chr4:113,333,064, plus strand): 5'-GCTGTTAGTTAGCTCCTGTCCACACTGAATGTTCTGCATTGCTATGTCAGGCCTGTGATC[G>A]TGGAGATCCCTCACTTTGCGGCCCTTCGAGGAAAGGAAAGGGAACTGGTGGTCCTGCGCA-3'
Protein context (NP_001139.3, residues 1069-1089): PGTKFLGPVI[Val1079Met]EIPHFAALRG